The following is an entry in ClinVar:

NM_000883.4(IMPDH1):c.1468G>A (p.Gly490Arg)

Gene: IMPDH1 (inosine monophosphate dehydrogenase 1; minus strand). Cytogenetic location: 7q32.1.
Variant type: single nucleotide variant.
Coding change: c.1468G>A on transcript NM_000883.4 (MANE Select); coding-DNA position 1468, G replaced by A.
Protein change: p.Gly490Arg; replaces glycine 490 with arginine.
Molecular consequence: missense variant.
Genome position (GRCh38, 1-based): chr7:128,394,971, C>T on the plus strand (G>A on the coding strand, the complement: IMPDH1 is on the minus strand). VCF-style: chr7-128394971-C-T. GRCh37 (hg19) VCF-style: chr7-128035025-C-T.
Other names: c.1438G>A, p.Gly480Arg (NM_001102605.2); c.1213G>A, p.Gly405Arg (NM_001142573.2); c.1198G>A, p.Gly400Arg (NM_001142574.2); c.1138G>A, p.Gly380Arg (NM_001142575.2); c.1369G>A, p.Gly457Arg (NM_001142576.2); c.1261G>A, p.Gly421Arg (NM_001304521.2); c.1360G>A, p.Gly454Arg (NM_183243.3); short protein forms G400R, G405R, G421R, G380R, G457R, G454R, G480R, G490R.
Identifiers: ClinVar variation 2997594 (VCV002997594.3), dbSNP rs563271428, ClinGen allele CA4470824.

ClinVar aggregate classification (germline): Uncertain significance (1 of 4 stars; one submission).

Allele frequency attached by ClinVar (database versions not stated): TOPMed 0.00002; gnomAD 0.00003; 1000 Genomes Project 30x 0.00016; 1000 Genomes Project 0.00020.
gnomAD v4.1: 12 of 1,614,004 alleles (0.00074%); highest among the groups gnomAD compares: East Asian, 0.0022%; no homozygotes.

Submission:

Labcorp Genetics (formerly Invitae), Labcorp
Classification: Uncertain significance. Last evaluated: 2023-03-30. Review status: criteria provided, single submitter. Criteria: Invitae Variant Classification Sherloc (09022015). Collection method: clinical testing. Allele origin: germline.
Comment: An algorithm developed to predict the effect of missense changes on protein structure and function (PolyPhen-2) suggests that this variant is likely to be disruptive. Algorithms developed to predict the effect of sequence changes on RNA splicing suggest that this variant may create or strengthen a splice site. In summary, the available evidence is currently insufficient to determine the role of this variant in disease. Therefore, it has been classified as a Variant of Uncertain Significance. This variant has not been reported in the literature in individuals affected with IMPDH1-related conditions. This sequence change replaces glycine, which is neutral and non-polar, with arginine, which is basic and polar, at codon 490 of the IMPDH1 protein (p.Gly490Arg). This variant is present in population databases (rs563271428, gnomAD 0.02%).